The following is an entry in ClinVar:

ClinVar aggregate classification (germline): Pathogenic (1 of 4 stars; one submission).

Conditions:
PRPH2-related disorder. Also called: PRPH2-related disorders; PRPH2-related condition. Identifiers: MedGen CN239395.

Submission:

Labcorp Genetics (formerly Invitae), Labcorp
Classification: Pathogenic for PRPH2-related disorder. Last evaluated: 2022-11-24. Review status: criteria provided, single submitter. Criteria: Invitae Variant Classification Sherloc (09022015). Collection method: clinical testing. Allele origin: germline.
Comment: For these reasons, this variant has been classified as Pathogenic. This variant has not been reported in the literature in individuals affected with PRPH2-related conditions. This variant is not present in population databases (gnomAD no frequency). This sequence change creates a premature translational stop signal (p.Trp25*) in the PRPH2 gene. It is expected to result in an absent or disrupted protein product. Loss-of-function variants in PRPH2 are known to be pathogenic (PMID: 8111389, 8485575, 8485576, 8675410, 16916875, 17504850, 22863181, 25675413, 26061163, 27365499, 29555955, 33546218).

Literature cited by the submitters: PubMed 8111389; PubMed 8485575; PubMed 8485576; PubMed 8675410; PubMed 16916875; PubMed 17504850; PubMed 22863181; PubMed 25675413; PubMed 26061163; PubMed 27365499; PubMed 29555955; PubMed 33546218.

NM_000322.5(PRPH2):c.74G>A (p.Trp25Ter)

Gene: PRPH2 (peripherin 2; minus strand). Cytogenetic location: 6p21.1.
Variant type: single nucleotide variant.
Coding change: c.74G>A on transcript NM_000322.5 (MANE Select); coding-DNA position 74, G replaced by A.
Protein change: p.Trp25Ter; replaces tryptophan 25 with a stop codon.
Molecular consequence: nonsense.
Genome position (GRCh38, 1-based): chr6:42,722,261, C>T on the plus strand (G>A on the coding strand, the complement: PRPH2 is on the minus strand). VCF-style: chr6-42722261-C-T. GRCh37 (hg19) VCF-style: chr6-42689999-C-T.
Other names: short protein forms W25*.
Identifiers: ClinVar variation 2816577 (VCV002816577.3), dbSNP rs535111150, ClinGen allele CA364138824.